The following is an entry in ClinVar:

ClinVar aggregate classification (germline): Uncertain significance. Review status: criteria provided, multiple submitters, no conflicts (2 of 4 stars). 2 submissions from 2 submitters: Uncertain significance (2). Last evaluated 2025-11-19.

Conditions:
Hereditary cancer-predisposing syndrome. Also called: Tumor predisposition; Hereditary neoplastic syndrome; Neoplastic Syndromes, Hereditary; Hereditary Cancer Syndrome. Identifiers: Orphanet 140162, MedGen C0027672, MeSH D009386, MONDO:0015356.
Haddad syndrome (OHD). Also called: Ondine-Hirschsprung disease. Identifiers: Orphanet 99803, MedGen C1859049, MONDO:0020493.

Submissions (2):

Ambry Genetics
Classification: Uncertain significance for Hereditary cancer-predisposing syndrome. Last evaluated: 2025-11-19. Review status: criteria provided, single submitter. Criteria: Ambry Variant Classification Scheme 2023. Collection method: clinical testing. Allele origin: germline.
Comment: The p.A244V variant (also known as c.731C>T), located in coding exon 3 of the PHOX2B gene, results from a C to T substitution at nucleotide position 731. The alanine at codon 244 is replaced by valine, an amino acid with similar properties. This amino acid position is conserved. In addition, this alteration is predicted to be tolerated by in silico analysis. Since supporting evidence is limited at this time, the clinical significance of this alteration remains unclear.

Labcorp Genetics (formerly Invitae), Labcorp
Classification: Uncertain significance for Haddad syndrome. Last evaluated: 2022-02-17. Review status: criteria provided, single submitter. Criteria: Invitae Variant Classification Sherloc (09022015). Collection method: clinical testing. Allele origin: germline.
Comment: In summary, the available evidence is currently insufficient to determine the role of this variant in disease. Therefore, it has been classified as a Variant of Uncertain Significance. Algorithms developed to predict the effect of missense changes on protein structure and function are either unavailable or do not agree on the potential impact of this missense change (SIFT: "Tolerated"; PolyPhen-2: "Not Available"; Align-GVGD: "Class C0"). ClinVar contains an entry for this variant (Variation ID: 960749). This variant has not been reported in the literature in individuals affected with PHOX2B-related conditions. This variant is not present in population databases (gnomAD no frequency). This sequence change replaces alanine, which is neutral and non-polar, with valine, which is neutral and non-polar, at codon 244 of the PHOX2B protein (p.Ala244Val).

NM_003924.4(PHOX2B):c.731C>T (p.Ala244Val)

Genes: PHOX2B (paired like homeobox 2B; minus strand), LOC110011216 (paired like homeobox 2b polyalanine repeat instability region; plus strand). Cytogenetic location: 4p13.
Variant type: single nucleotide variant.
Coding change: c.731C>T on transcript NM_003924.4 (MANE Select); coding-DNA position 731, C replaced by T.
Protein change: p.Ala244Val; replaces alanine 244 with valine.
Molecular consequence: missense variant.
Genome position (GRCh38, 1-based): chr4:41,746,021, G>A on the plus strand (C>T on the coding strand, the complement: PHOX2B is on the minus strand). VCF-style: chr4-41746021-G-A. GRCh37 (hg19) VCF-style: chr4-41748038-G-A.
Other names: short protein forms A244V.
Identifiers: ClinVar variation 960749 (VCV000960749.12), dbSNP rs1191194818, ClinGen allele CA356737238.